The following is an entry in ClinVar:

NM_032520.5(GNPTG):c.591T>G (p.Asp197Glu)

Gene: GNPTG (N-acetylglucosamine-1-phosphate transferase subunit gamma; plus strand). Cytogenetic location: 16p13.3.
Variant type: single nucleotide variant.
Coding change: c.591T>G on transcript NM_032520.5 (MANE Select); coding-DNA position 591, T replaced by G.
Protein change: p.Asp197Glu; replaces aspartic acid 197 with glutamic acid.
Molecular consequence: missense variant.
Genome position (GRCh38, 1-based): chr16:1,362,516, T>G. VCF-style: chr16-1362516-T-G. GRCh37 (hg19) VCF-style: chr16-1412517-T-G.
Other names: short protein forms D197E.
Identifiers: ClinVar variation 1061018 (VCV001061018.3), dbSNP rs927888758, ClinGen allele CA276658312.

ClinVar aggregate classification (germline): Uncertain significance. Review status: criteria provided, single submitter (1 of 4 stars). 2 submissions from 2 submitters: Uncertain significance (1). 1 of the submissions does not count toward it. Last evaluated 2022-06-27.

Conditions:
GNPTG-mucolipidosis. Also called: MUCOLIPIDOSIS III, COMPLEMENTATION GROUP C; MUCOLIPIDOSIS III, IRANIAN VARIANT FORM; MUCOLIPIDOSIS III, VARIANT FORM; Mucolipidosis type III gamma; ML III GAMMA; ML IIIC. Identifiers: Orphanet 423470, Orphanet 577, MedGen C1854896, MONDO:0009652, OMIM 252605.

Allele frequency attached by ClinVar (database versions not stated): gnomAD exomes below 0.00001; gnomAD 0.00002; TOPMed 0.00002.
gnomAD v4.1: 12 of 1,614,048 alleles (0.00074%); highest among the groups gnomAD compares: Non-Finnish European, 0.00093%; no homozygotes.

Submissions (2):

Labcorp Genetics (formerly Invitae), Labcorp
Classification: Uncertain significance. Last evaluated: 2022-06-27. Review status: criteria provided, single submitter. Criteria: Invitae Variant Classification Sherloc (09022015). Collection method: clinical testing. Allele origin: germline.
Comment: This sequence change replaces aspartic acid, which is acidic and polar, with glutamic acid, which is acidic and polar, at codon 197 of the GNPTG protein (p.Asp197Glu). This variant is present in population databases (no rsID available, gnomAD 0.0009%). This variant has not been reported in the literature in individuals affected with GNPTG-related conditions. ClinVar contains an entry for this variant (Variation ID: 1061018). Algorithms developed to predict the effect of missense changes on protein structure and function are either unavailable or do not agree on the potential impact of this missense change (SIFT: "Deleterious"; PolyPhen-2: "Benign"; Align-GVGD: "Class C0"). In summary, the available evidence is currently insufficient to determine the role of this variant in disease. Therefore, it has been classified as a Variant of Uncertain Significance.

Natera, Inc.
Classification: Uncertain significance for Mucolipidosis III gamma. Last evaluated: 2020-06-20. Review status: no assertion criteria provided. Collection method: clinical testing. Allele origin: germline. Not counted in ClinVar's aggregate classification.